The following is an entry in ClinVar:

NM_004006.3(DMD):c.2741T>A (p.Phe914Tyr)

Gene: DMD (dystrophin; minus strand). Cytogenetic location: Xp21.1.
Variant type: single nucleotide variant.
Coding change: c.2741T>A on transcript NM_004006.3 (MANE Select); coding-DNA position 2741, T replaced by A.
Protein change: p.Phe914Tyr; replaces phenylalanine 914 with tyrosine.
Molecular consequence: missense variant.
Genome position (GRCh38, 1-based): chrX:32,484,981, A>T on the plus strand (T>A on the coding strand, the complement: DMD is on the minus strand). VCF-style: chrX-32484981-A-T. GRCh37 (hg19) VCF-style: chrX-32503098-A-T.
Other names: c.2717T>A, p.Phe906Tyr (NM_000109.4); c.2729T>A, p.Phe910Tyr (NM_004009.3); c.2372T>A, p.Phe791Tyr (NM_004010.3); short protein forms F791Y, F906Y, F910Y, F914Y.
Identifiers: ClinVar variation 3607300 (VCV003607300.3).

ClinVar aggregate classification (germline): Uncertain significance. Review status: criteria provided, multiple submitters, no conflicts (2 of 4 stars). 2 submissions from 2 submitters: Uncertain significance (2). Last evaluated 2025-01-29.

Conditions:
Duchenne muscular dystrophy (DMD). Also called: MUSCULAR DYSTROPHY, PSEUDOHYPERTROPHIC PROGRESSIVE, DUCHENNE TYPE; Duchenne Muscular Dystrophy (DMD). Identifiers: Orphanet 98896, MedGen C0013264, MONDO:0010679, OMIM 310200.

gnomAD v4.1: 1 of 1,211,501 alleles (0.000083%); highest among the groups gnomAD compares: Middle Eastern, 0.023%; no homozygotes.

Submissions (2):

Labcorp Genetics (formerly Invitae), Labcorp
Classification: Uncertain significance for Duchenne muscular dystrophy. Last evaluated: 2025-01-29. Review status: criteria provided, single submitter. Criteria: Invitae Variant Classification Sherloc (09022015). Collection method: clinical testing. Allele origin: germline.
Comment: This sequence change replaces phenylalanine, which is neutral and non-polar, with tyrosine, which is neutral and polar, at codon 914 of the DMD protein (p.Phe914Tyr). This variant is not present in population databases (gnomAD no frequency). This variant has not been reported in the literature in individuals affected with DMD-related conditions. Invitae Evidence Modeling of protein sequence and biophysical properties (such as structural, functional, and spatial information, amino acid conservation, physicochemical variation, residue mobility, and thermodynamic stability) indicates that this missense variant is not expected to disrupt DMD protein function with a negative predictive value of 95%. In summary, the available evidence is currently insufficient to determine the role of this variant in disease. Therefore, it has been classified as a Variant of Uncertain Significance.

Revvity Omics, Revvity
Classification: Uncertain significance. Last evaluated: 2023-10-26. Review status: criteria provided, single submitter. Criteria: ACMG Guidelines, 2015. Collection method: clinical testing. Allele origin: germline.